The following is an entry in ClinVar:

NM_001365308.1(BMPER):c.*704A>G

Gene: BMPER (BMP binding endothelial regulator; plus strand). Cytogenetic location: 7p14.3.
Variant type: single nucleotide variant.
Coding change: c.*704A>G on transcript NM_001365308.1 (MANE Select); 704 bases downstream of the stop codon, A replaced by G.
Molecular consequence: 3 prime UTR variant.
Genome position (GRCh38, 1-based): chr7:34,153,977, A>G. VCF-style: chr7-34153977-A-G. GRCh37 (hg19) VCF-style: chr7-34193589-A-G.
Other names: c.*704A>G (NM_133468.5).
Identifiers: ClinVar variation 360133 (VCV000360133.5), dbSNP rs11972404, ClinGen allele CA10629155.

ClinVar aggregate classification (germline): Benign (1 of 4 stars; one submission).

Conditions:
Diaphanospondylodysostosis. Also called: VERTEBRAL OSSIFICATION, DEFECT IN, WITH NEPHROGENIC RESTS. Identifiers: Orphanet 66637, MedGen C1842691, MONDO:0011946, OMIM 608022.

Allele frequency attached by ClinVar (database versions not stated): gnomAD exomes 0.01839; 1000 Genomes Project 0.09065; gnomAD 0.09219 and 0.09741; 1000 Genomes Project 30x 0.09775; TOPMed 0.10083.
gnomAD v4.1: 13,932 of 153,362 alleles (9.1%); highest among the groups gnomAD compares: African/African-American, 25%; 1,408 homozygotes.

Submission:

Illumina Laboratory Services, Illumina
Classification: Benign for Diaphanospondylodysostosis. Last evaluated: 2018-01-13. Review status: criteria provided, single submitter. Criteria: ICSL Variant Classification Criteria 13 December 2019. Collection method: clinical testing. Allele origin: germline.
Comment: This variant was observed in the ICSL laboratory as part of a predisposition screen in an ostensibly healthy population. It had not been previously curated by ICSL or reported in the Human Gene Mutation Database (HGMD: prior to June 1st, 2018), and was therefore a candidate for classification through an automated scoring system. Utilizing variant allele frequency, disease prevalence and penetrance estimates, and inheritance mode, an automated score was calculated to assess if this variant is too frequent to cause the disease. Based on the score and internal cut-off values, a variant classified as benign is not then subjected to further curation. The score for this variant resulted in a classification of benign for this disease.